The following is an entry in ClinVar:

ClinVar aggregate classification (germline): Pathogenic (1 of 4 stars; one submission).

Conditions:
Generalized juvenile polyposis/juvenile polyposis coli. Also called: Juvenile polyposis coli. Identifiers: Orphanet 329971, MedGen C1868081, MONDO:0008276.

Submission:

Labcorp Genetics (formerly Invitae), Labcorp
Classification: Pathogenic for Juvenile polyposis syndrome. Last evaluated: 2016-10-18. Review status: criteria provided, single submitter. Criteria: Invitae Variant Classification Sherloc (09022015). Collection method: clinical testing. Allele origin: germline.
Comment: This variant is a gross deletion of the genomic region encompassing the promoter and coding exons 3-7 of the BMPR1A gene, which includes the initiator codon. The deletion extends beyond the edge of the assayed region, and the 5' boundary of this event is not known. The 3' boundary is likely confined to intron 7 of the BMPR1A gene. This is expected to result in an absent or disrupted protein product. While this particular variant has not been reported in the literature, loss-of-function variants in BMPR1A are known to be pathogenic (PMID: 11536076, 12417513). For these reasons, this variant has been classified as Pathogenic.

NC_000010.11:g.(?_86838865)_(86900126_?)del

Genes: BMPR1A (bone morphogenetic protein receptor type 1A; plus strand), LOC130004246 (ATAC-STARR-seq lymphoblastoid silent region 2574; plus strand), LOC130004247 (ATAC-STARR-seq lymphoblastoid active region 3697; plus strand). Cytogenetic location: 10q23.2.
Variant type: Deletion.
Identifiers: ClinVar variation 417562 (VCV000417562.1).